The following is an entry in ClinVar:

NM_005360.5(MAF):c.203C>A (p.Pro68His)

Gene: MAF (MAF bZIP transcription factor; minus strand). Cytogenetic location: 16q23.2.
Variant type: single nucleotide variant.
Coding change: c.203C>A on transcript NM_005360.5 (MANE Select); coding-DNA position 203, C replaced by A.
Protein change: p.Pro68His; replaces proline 68 with histidine.
Molecular consequence: missense variant.
Genome position (GRCh38, 1-based): chr16:79,599,700, G>T on the plus strand (C>A on the coding strand, the complement: MAF is on the minus strand). VCF-style: chr16-79599700-G-T. GRCh37 (hg19) VCF-style: chr16-79633597-G-T.
Other names: c.203C>A, p.Pro68His (NM_001031804.3); short protein forms P68H.
Identifiers: ClinVar variation 5037425 (VCV005037425.1).

ClinVar aggregate classification (germline): Uncertain significance (1 of 4 stars; one submission).

Submission:

GeneDx
Classification: Uncertain significance. Last evaluated: 2026-04-19. Review status: criteria provided, single submitter. Criteria: GeneDx Variant Classification Process June 2021. Collection method: clinical testing. Allele origin: germline.
Comment: Not observed at significant frequency in large population cohorts (gnomAD); In silico analysis supports that this missense variant has a deleterious effect on protein structure/function; Has not been previously published as pathogenic or benign to our knowledge.